The following is an entry in ClinVar:

ClinVar aggregate classification (germline): Likely benign (0 of 4 stars; one submission).

Conditions:
ACACB-related disorder. Also called: ACACB-related condition.

Allele frequency attached by ClinVar (database versions not stated): TOPMed below 0.00001; gnomAD 0.00001; ExAC 0.00003; 1000 Genomes Project 30x 0.00016; 1000 Genomes Project 0.00020.
gnomAD v4.1: 36 of 1,613,770 alleles (0.0022%); highest among the groups gnomAD compares: East Asian, 0.013%; no homozygotes.

Submission:

PreventionGenetics, part of Exact Sciences
Classification: Likely benign for ACACB-related condition. Last evaluated: 2021-04-07. Review status: no assertion criteria provided. Collection method: clinical testing. Allele origin: germline.
Comment: This variant is classified as likely benign based on ACMG/AMP sequence variant interpretation guidelines (Richards et al. 2015 PMID: 25741868, with internal and published modifications).

NM_001093.4(ACACB):c.1038G>A (p.Ala346=)

Gene: ACACB (acetyl-CoA carboxylase beta; plus strand). Cytogenetic location: 12q24.11.
Variant type: single nucleotide variant.
Coding change: c.1038G>A on transcript NM_001093.4 (MANE Select); coding-DNA position 1038, G replaced by A.
Protein change: p.Ala346=; no amino-acid change (alanine 346 retained).
Molecular consequence: synonymous variant.
Genome position (GRCh38, 1-based): chr12:109,172,277, G>A. VCF-style: chr12-109172277-G-A. GRCh37 (hg19) VCF-style: chr12-109610082-G-A.
Other names: c.1038G>A, p.Ala346= (NM_001412734.1, NM_001412735.1); c.432G>A, p.Ala144= (NM_001412736.1, NM_001412738.1, NM_001412739.1 and 2 more transcripts); c.411G>A, p.Ala137= (NM_001412737.1).
Identifiers: ClinVar variation 3032646 (VCV003032646.2), dbSNP rs575445770, ClinGen allele CA6773143.